The following is an entry in ClinVar:

ClinVar aggregate classification (germline): Uncertain significance. Review status: criteria provided, multiple submitters, no conflicts (2 of 4 stars). 2 submissions from 2 submitters: Uncertain significance (2). Last evaluated 2023-09-05.

Conditions:
A2ML1-related disorder. Also called: A2ML1-related condition.

Allele frequency attached by ClinVar (database versions not stated): gnomAD exomes 0.00001.
gnomAD v4.1: 5 of 1,614,200 alleles (0.00031%); highest among the groups gnomAD compares: Admixed American, 0.0067%; no homozygotes.

Submissions (2):

Labcorp Genetics (formerly Invitae), Labcorp
Classification: Uncertain significance. Last evaluated: 2023-09-05. Review status: criteria provided, single submitter. Criteria: Invitae Variant Classification Sherloc (09022015). Collection method: clinical testing. Allele origin: germline.
Comment: This sequence change replaces serine, which is neutral and polar, with tyrosine, which is neutral and polar, at codon 840 of the A2ML1 protein (p.Ser840Tyr). In summary, the available evidence is currently insufficient to determine the role of this variant in disease. Therefore, it has been classified as a Variant of Uncertain Significance. Algorithms developed to predict the effect of missense changes on protein structure and function output the following: SIFT: "Not Available"; PolyPhen-2: "Benign"; Align-GVGD: "Not Available". The tyrosine amino acid residue is found in multiple mammalian species, which suggests that this missense change does not adversely affect protein function. This variant has not been reported in the literature in individuals affected with A2ML1-related conditions. This variant is present in population databases (no rsID available, gnomAD 0.009%).

PreventionGenetics, part of Exact Sciences
Classification: Uncertain significance for A2ML1-related condition. Last evaluated: 2023-05-16. Review status: criteria provided, single submitter. Criteria: ACMG Guidelines, 2015. Collection method: clinical testing. Allele origin: germline.
Comment: The A2ML1 c.2519C>A variant is predicted to result in the amino acid substitution p.Ser840Tyr. To our knowledge, this variant has not been reported in the literature. This variant is reported in 0.0087% of alleles in individuals of Latino descent in gnomAD. At this time, the clinical significance of this variant is uncertain due to the absence of conclusive functional and genetic evidence.

NM_144670.6(A2ML1):c.2519C>A (p.Ser840Tyr)

Gene: A2ML1 (alpha-2-macroglobulin like 1; plus strand). Cytogenetic location: 12p13.31.
Variant type: single nucleotide variant.
Coding change: c.2519C>A on transcript NM_144670.6 (MANE Select); coding-DNA position 2519, C replaced by A.
Protein change: p.Ser840Tyr; replaces serine 840 with tyrosine.
Molecular consequence: missense variant.
Genome position (GRCh38, 1-based): chr12:8,852,265, C>A. VCF-style: chr12-8852265-C-A. GRCh37 (hg19) VCF-style: chr12-9004861-C-A.
Other names: c.1046C>A, p.Ser349Tyr (NM_001282424.3); short protein forms S349Y, S840Y.
Identifiers: ClinVar variation 2636012 (VCV002636012.4), dbSNP rs960169988, ClinGen allele CA232691331.